The following is an entry in ClinVar:

NM_015062.5(PPRC1):c.4019C>G (p.Ala1340Gly)

Gene: PPRC1 (PPARG related coactivator 1; plus strand). Cytogenetic location: 10q24.32.
Variant type: single nucleotide variant.
Coding change: c.4019C>G on transcript NM_015062.5 (MANE Select); coding-DNA position 4019, C replaced by G.
Protein change: p.Ala1340Gly; replaces alanine 1340 with glycine.
Molecular consequence: missense variant. On other transcripts: intron variant (1).
Genome position (GRCh38, 1-based): chr10:102,147,011, C>G. VCF-style: chr10-102147011-C-G. GRCh37 (hg19) VCF-style: chr10-103906768-C-G.
Other names: c.3659C>G, p.Ala1220Gly (NM_001288728.2); c.3609-1361C>G (NM_001288727.2); c.4019C>G (NM_015062.4); short protein forms A1220G, A1340G.
Identifiers: ClinVar variation 2640782 (VCV002640782.25), dbSNP rs147678394, ClinGen allele CA5661418.
Genomic context (GRCh38, chr10:102,147,011, plus strand): 5'-GATGGAATGTCAAGCGCCATCAGGACATCACCATCAAACCTGTCTTGTCCTTGGGCCCAG[C>G]TGCCCCTCCGCCCCCATGCATAGCTGCCTCCCGGGAGCCGCTTGATCACAGGACTAGCAG-3'
Protein context (NP_055877.3, residues 1330-1350): TIKPVLSLGP[Ala1340Gly]APPPPCIAAS

ClinVar aggregate classification (germline): Likely benign. Review status: criteria provided, single submitter (1 of 4 stars). 2 submissions from 2 submitters: Likely benign (1). 1 of the submissions does not count toward it. Last evaluated 2022-11-01.

Conditions:
PPRC1-related disorder. Also called: PPRC1-related condition.

Allele frequency attached by ClinVar (database versions not stated): 1000 Genomes Project 30x 0.00250; 1000 Genomes Project 0.00280; ESP Exome Variant Server 0.00408; TOPMed 0.00444; ExAC 0.00480; gnomAD 0.00480; gnomAD exomes 0.00559.
gnomAD v4.1: 8,895 of 1,614,168 alleles (0.55%); highest among the groups gnomAD compares: Admixed American, 0.63%; 35 homozygotes.

Submissions (2):

CeGaT Center for Human Genetics Tuebingen
Classification: Likely benign. Last evaluated: 2022-11-01. Review status: criteria provided, single submitter. Criteria: CeGaT Center For Human Genetics Tuebingen Variant Classification Criteria Version 2. Collection method: clinical testing. Allele origin: germline. Affected: yes. Observed: 1 variant allele.
Comment: PPRC1: BP4, BS2

PreventionGenetics, part of Exact Sciences
Classification: Likely benign for PPRC1-related condition. Last evaluated: 2019-05-31. Review status: no assertion criteria provided. Collection method: clinical testing. Allele origin: germline. Not counted in ClinVar's aggregate classification.
Comment: This variant is classified as likely benign based on ACMG/AMP sequence variant interpretation guidelines (Richards et al. 2015 PMID: 25741868, with internal and published modifications).